The following is an entry in ClinVar:

NM_006445.4(PRPF8):c.6646T>C (p.Cys2216Arg)

Gene: PRPF8 (pre-mRNA processing factor 8; minus strand). Cytogenetic location: 17p13.3.
Variant type: single nucleotide variant.
Coding change: c.6646T>C on transcript NM_006445.4 (MANE Select); coding-DNA position 6646, T replaced by C.
Protein change: p.Cys2216Arg; replaces cysteine 2216 with arginine.
Molecular consequence: missense variant.
Genome position (GRCh38, 1-based): chr17:1,651,418, A>G on the plus strand (T>C on the coding strand, the complement: PRPF8 is on the minus strand). VCF-style: chr17-1651418-A-G. GRCh37 (hg19) VCF-style: chr17-1554712-A-G.
Other names: short protein forms C2216R.
Identifiers: ClinVar variation 3938573 (VCV003938573.2).

ClinVar aggregate classification (germline): Uncertain significance (1 of 4 stars; one submission).

Conditions:
Inborn genetic diseases. Identifiers: MedGen C0950123, MeSH D030342.

Submission:

Ambry Genetics
Classification: Uncertain significance for Inborn genetic diseases. Last evaluated: 2025-09-12. Review status: criteria provided, single submitter. Criteria: Ambry Variant Classification Scheme 2023. Collection method: clinical testing. Allele origin: germline.
Comment: The c.6646T>C (p.C2216R) alteration is located in exon 41 (coding exon 40) of the PRPF8 gene. This alteration results from a T to C substitution at nucleotide position 6646, causing the cysteine (C) at amino acid position 2216 to be replaced by an arginine (R). This variant was not reported in population-based cohorts in the Genome Aggregation Database (gnomAD). This amino acid position is highly conserved in available vertebrate species. This alteration is predicted to be deleterious by in silico analysis. Based on insufficient or conflicting evidence, the clinical significance of this alteration remains unclear.